The following is an entry in ClinVar:

ClinVar aggregate classification (germline): Conflicting classifications of pathogenicity. Review status: criteria provided, conflicting classifications (1 of 4 stars). 5 submissions from 5 submitters: Uncertain significance (2); Benign (1). 2 of the submissions do not count toward it. Last evaluated 2026-01-26.

Conditions:
Inborn genetic diseases. Identifiers: MedGen C0950123, MeSH D030342.
MESP2-related disorder. Also called: MESP2-related condition.
Spondylocostal dysostosis 2, autosomal recessive (SCDO2). Also called: MESP2-Related Spondylocostal Dysostosis, Autosomal Recessive; Spondylocostal dysostosis type 2. Identifiers: Orphanet 2311, MedGen C1837549, MONDO:0012097, OMIM 608681.

Allele frequency attached by ClinVar (database versions not stated): gnomAD 0.00042 and 0.00041; TOPMed 0.00057; gnomAD exomes 0.00093; ExAC 0.00101; 1000 Genomes Project 30x 0.00031; 1000 Genomes Project 0.00040.

Submissions (5):

Labcorp Genetics (formerly Invitae), Labcorp
Classification: Benign. Last evaluated: 2026-01-26. Review status: criteria provided, single submitter. Criteria: Invitae Variant Classification Sherloc (09022015). Collection method: clinical testing. Allele origin: germline.

Ambry Genetics
Classification: Uncertain significance for Inborn genetic diseases. Last evaluated: 2023-12-14. Review status: criteria provided, single submitter. Criteria: Ambry Variant Classification Scheme 2023. Collection method: clinical testing. Allele origin: germline.

Illumina Laboratory Services, Illumina
Classification: Uncertain significance for Spondylocostal dysostosis 2, autosomal recessive. Last evaluated: 2018-01-13. Review status: criteria provided, single submitter. Criteria: ICSL Variant Classification Criteria 13 December 2019. Collection method: clinical testing. Allele origin: germline.

PreventionGenetics, part of Exact Sciences
Classification: Likely benign for MESP2-related condition. Last evaluated: 2023-06-05. Review status: no assertion criteria provided. Collection method: clinical testing. Allele origin: germline. Not counted in ClinVar's aggregate classification.
Comment: This variant is classified as likely benign based on ACMG/AMP sequence variant interpretation guidelines (Richards et al. 2015 PMID: 25741868, with internal and published modifications).

Natera, Inc.
Classification: Benign for Spondylocostal dysostosis type 2. Last evaluated: 2020-04-23. Review status: no assertion criteria provided. Collection method: clinical testing. Allele origin: germline. Not counted in ClinVar's aggregate classification.

NM_001039958.2(MESP2):c.185G>A (p.Arg62Gln)

Gene: MESP2 (mesoderm posterior bHLH transcription factor 2; plus strand). Cytogenetic location: 15q26.1.
Variant type: single nucleotide variant.
Coding change: c.185G>A on transcript NM_001039958.2 (MANE Select); coding-DNA position 185, G replaced by A.
Protein change: p.Arg62Gln; replaces arginine 62 with glutamine.
Molecular consequence: missense variant.
Genome position (GRCh38, 1-based): chr15:89,776,542, G>A. VCF-style: chr15-89776542-G-A. GRCh37 (hg19) VCF-style: chr15-90319773-G-A.
Other names: short protein forms R62Q.
Identifiers: ClinVar variation 317385 (VCV000317385.20), dbSNP rs566641514, ClinGen allele CA7730362.